The following is an entry in ClinVar:

NM_001370259.2(MEN1):c.499G>A (p.Ala167Thr)

Gene: MEN1 (menin 1; minus strand). Cytogenetic location: 11q13.1.
Variant type: single nucleotide variant.
Coding change: c.499G>A on transcript NM_001370259.2 (MANE Select); coding-DNA position 499, G replaced by A.
Protein change: p.Ala167Thr; replaces alanine 167 with threonine.
Molecular consequence: missense variant.
Genome position (GRCh38, 1-based): chr11:64,808,046, C>T on the plus strand (G>A on the coding strand, the complement: MEN1 is on the minus strand). VCF-style: chr11-64808046-C-T. GRCh37 (hg19) VCF-style: chr11-64575518-C-T.
Other names: c.514G>A, p.Ala172Thr (NM_000244.4, NM_001407145.1, NM_001407150.1 and 5 more transcripts); c.499G>A, p.Ala167Thr (NM_001370251.2, NM_001370260.2, NM_001370261.2 and 12 more transcripts); short protein forms A167T, A172T.
Identifiers: ClinVar variation 2125816 (VCV002125816.4), dbSNP rs2136156737, ClinGen allele CA381186076.

ClinVar aggregate classification (germline): Uncertain significance (1 of 4 stars; one submission).

Conditions:
Multiple endocrine neoplasia, type 1 (MEN1). Also called: MEN I; WERMER SYNDROME; Endocrine adenomatosis multiple; MEN 1; MEA I. Identifiers: Orphanet 652, MedGen C0025267, MeSH D018761, MONDO:0007540, OMIM 131100.

Submission:

Labcorp Genetics (formerly Invitae), Labcorp
Classification: Uncertain significance for Multiple endocrine neoplasia, type 1. Last evaluated: 2024-03-19. Review status: criteria provided, single submitter. Criteria: Invitae Variant Classification Sherloc (09022015). Collection method: clinical testing. Allele origin: germline.
Comment: This sequence change replaces alanine, which is neutral and non-polar, with threonine, which is neutral and polar, at codon 167 of the MEN1 protein (p.Ala167Thr). This variant is not present in population databases (gnomAD no frequency). This variant has not been reported in the literature in individuals affected with MEN1-related conditions. ClinVar contains an entry for this variant (Variation ID: 2125816). Advanced modeling of protein sequence and biophysical properties (such as structural, functional, and spatial information, amino acid conservation, physicochemical variation, residue mobility, and thermodynamic stability) performed at Invitae indicates that this missense variant is expected to disrupt MEN1 protein function with a positive predictive value of 95%. In summary, the available evidence is currently insufficient to determine the role of this variant in disease. Therefore, it has been classified as a Variant of Uncertain Significance.